The following is an entry in ClinVar:

ClinVar aggregate classification (germline): Uncertain significance (1 of 4 stars; one submission).

Submission:

Labcorp Genetics (formerly Invitae), Labcorp
Classification: Uncertain significance. Last evaluated: 2022-04-26. Review status: criteria provided, single submitter. Criteria: Invitae Variant Classification Sherloc (09022015). Collection method: clinical testing. Allele origin: germline.
Comment: Algorithms developed to predict the effect of missense changes on protein structure and function are either unavailable or do not agree on the potential impact of this missense change (SIFT: "Deleterious"; PolyPhen-2: "Not Available"; Align-GVGD: "Class C0"). In summary, the available evidence is currently insufficient to determine the role of this variant in disease. Therefore, it has been classified as a Variant of Uncertain Significance. This variant has not been reported in the literature in individuals affected with PCLO-related conditions. This variant is not present in population databases (gnomAD no frequency). This sequence change replaces glutamic acid, which is acidic and polar, with valine, which is neutral and non-polar, at codon 4359 of the PCLO protein (p.Glu4359Val).

NM_033026.6(PCLO):c.13076A>T (p.Glu4359Val)

Gene: PCLO (piccolo presynaptic cytomatrix protein; minus strand). Cytogenetic location: 7q21.11.
Variant type: single nucleotide variant.
Coding change: c.13076A>T on transcript NM_033026.6 (MANE Select); coding-DNA position 13076, A replaced by T.
Protein change: p.Glu4359Val; replaces glutamic acid 4359 with valine.
Molecular consequence: missense variant.
Genome position (GRCh38, 1-based): chr7:82,914,910, T>A on the plus strand (A>T on the coding strand, the complement: PCLO is on the minus strand). VCF-style: chr7-82914910-T-A. GRCh37 (hg19) VCF-style: chr7-82544226-T-A.
Other names: c.13076A>T, p.Glu4359Val (NM_014510.3); short protein forms E4359V.
Identifiers: ClinVar variation 2130891 (VCV002130891.4), dbSNP rs2535545951, ClinGen allele CA367884000.